The following is an entry in ClinVar:

NM_001372106.1(DNAH10):c.5694G>A (p.Pro1898=)

Gene: DNAH10 (dynein axonemal heavy chain 10; plus strand). Cytogenetic location: 12q24.31.
Variant type: single nucleotide variant.
Coding change: c.5694G>A on transcript NM_001372106.1 (MANE Select); coding-DNA position 5694, G replaced by A.
Protein change: p.Pro1898=; no amino-acid change (proline 1898 retained).
Molecular consequence: synonymous variant.
Genome position (GRCh38, 1-based): chr12:123,846,034, G>A. VCF-style: chr12-123846034-G-A. GRCh37 (hg19) VCF-style: chr12-124330581-G-A.
Other names: c.5340G>A, p.Pro1780= (NM_001083900.1, NM_207437.3).
Identifiers: ClinVar variation 2643526 (VCV002643526.24), dbSNP rs376267774, ClinGen allele CA6863935.

ClinVar aggregate classification (germline): Likely benign (1 of 4 stars; one submission).

Allele frequency attached by ClinVar (database versions not stated): gnomAD 0.00002; gnomAD exomes 0.00002; TOPMed 0.00004; ExAC 0.00005; ESP Exome Variant Server 0.00008.
gnomAD v4.1: 30 of 1,613,868 alleles (0.0019%); highest among the groups gnomAD compares: Middle Eastern, 0.033%; no homozygotes.

Submission:

CeGaT Center for Human Genetics Tuebingen
Classification: Likely benign. Last evaluated: 2022-06-01. Review status: criteria provided, single submitter. Criteria: CeGaT Center For Human Genetics Tuebingen Variant Classification Criteria Version 2. Collection method: clinical testing. Allele origin: germline. Affected: yes. Observed: 1 variant allele.
Comment: DNAH10: BP4, BP7